The following is an entry in ClinVar:

NM_000926.4(PGR):c.1189T>C (p.Ser397Pro)

Gene: PGR (progesterone receptor; minus strand). Cytogenetic location: 11q22.1.
Variant type: single nucleotide variant.
Coding change: c.1189T>C on transcript NM_000926.4 (MANE Select); coding-DNA position 1189, T replaced by C.
Protein change: p.Ser397Pro; replaces serine 397 with proline.
Molecular consequence: missense variant. On other transcripts: non-coding transcript variant (3), intron variant (1).
Genome position (GRCh38, 1-based): chr11:101,127,882, A>G on the plus strand (T>C on the coding strand, the complement: PGR is on the minus strand). VCF-style: chr11-101127882-A-G. GRCh37 (hg19) VCF-style: chr11-100998613-A-G.
Other names: c.697T>C, p.Ser233Pro (NM_001202474.3, NM_001271161.2); c.-146+1546T>C (NM_001271162.2); short protein forms S233P, S397P.
Identifiers: ClinVar variation 4891533 (VCV004891533.1), dbSNP rs2135514689.

ClinVar aggregate classification (germline): VUS-mid (0 of 4 stars; one submission).

Conditions:
Breast neoplasm. Also called: Neoplasm of breast; Breast tumor; Neoplasm of the breast; Breast Neoplasms. Identifiers: MedGen C1458155, MeSH D001943, MONDO:0021100, HP:0100013. Disease mechanism: gain of function.

Submission:

Hdge Lab, Department of Biotechnology, Mizoram University
Classification: VUS-mid for Breast neoplasm. Last evaluated: 2026-08-15. Review status: no assertion criteria provided. Collection method: case-control. Allele origin: germline. Affected: yes. Observed: 10 variant alleles.
Comment: The variant was classified according to the ACMG/AMP guidelines (PMID:25741868). The variant is classified as a VUS-Mid based on the available evidence. PM2 is supported by the very low population allele frequency of 6.47 × 10⁻⁶ (AC = 10; AN = 1,546,654), with no homozygous individuals observed in the population database. The variant has not previously been reported in ClinVar. BP4 is supported by concordant computational predictions indicating a benign effect of the nonsynonymous variant. The variant was observed in 10 of 49 breast cancer cases and 0 of 27 controls in the study cohort.